The following is an entry in ClinVar:

NM_001739.2(CA5A):c.340+20C>G

Gene: CA5A (carbonic anhydrase 5A; minus strand). Cytogenetic location: 16q24.2.
Variant type: single nucleotide variant.
Coding change: c.340+20C>G on transcript NM_001739.2 (MANE Select); 20 bases into the intron after coding-DNA position 340, C replaced by G.
Molecular consequence: intron variant.
Genome position (GRCh38, 1-based): chr16:87,926,728, G>C on the plus strand (C>G on the coding strand, the complement: CA5A is on the minus strand). VCF-style: chr16-87926728-G-C. GRCh37 (hg19) VCF-style: chr16-87960334-G-C.
Other names: c.340+20C>G (NM_001367225.1).
Identifiers: ClinVar variation 517031 (VCV000517031.12), dbSNP rs141166711, ClinGen allele CA8223546.
Genomic context (GRCh38, chr16:87,926,728, plus strand): 5'-CCCCTTCTCCGCGAAGCTCTTGACCCTGCTGCCAGAACAACGGGAGAGGACAAAGCCCTC[G>C]AGCCCCAGCTGGCACTCACCTGATGCCTCGGTGGCATCGTCAAATTCCACCTGGAAGAGG-3'

ClinVar aggregate classification (germline): Benign/Likely benign. Review status: criteria provided, multiple submitters, no conflicts (2 of 4 stars). 5 submissions from 5 submitters: Benign (1); Likely benign (4). Last evaluated 2026-01-27.

Conditions:
Hyperammonemic encephalopathy due to carbonic anhydrase VA deficiency. Also called: Carbonic Anhydrase VA Deficiency; Carbonic anhydrase VA deficiency, hyperammonemia due to. Identifiers: Orphanet 401948, MedGen C4706871, MONDO:0014332, OMIM 615751.

Allele frequency attached by ClinVar (database versions not stated): 1000 Genomes Project 30x 0.00203; 1000 Genomes Project 0.00240; ESP Exome Variant Server 0.00246; gnomAD 0.00300 and 0.00319; TOPMed 0.00347.
gnomAD v4.1: 2,305 of 1,598,226 alleles (0.14%); highest among the groups gnomAD compares: Middle Eastern, 1.1%; 10 homozygotes.

Submissions (5):

Labcorp Genetics (formerly Invitae), Labcorp
Classification: Benign for Hyperammonemic encephalopathy due to carbonic anhydrase VA deficiency. Last evaluated: 2026-01-27. Review status: criteria provided, single submitter. Criteria: Invitae Variant Classification Sherloc (09022015). Collection method: clinical testing. Allele origin: germline.

Genomic Medicine Center of Excellence, King Faisal Specialist Hospital and Research Centre
Classification: Likely benign. Last evaluated: 2025-08-18. Review status: criteria provided, single submitter. Criteria: ACMG Guidelines, 2015. Collection method: clinical testing. Allele origin: germline.

Blueprint Genetics
Classification: Likely benign. Last evaluated: 2024-11-27. Review status: criteria provided, single submitter. Criteria: ACMG Guidelines, 2015. Collection method: clinical testing. Allele origin: germline.

GeneDx
Classification: Likely benign. Last evaluated: 2018-02-02. Review status: criteria provided, single submitter. Criteria: GeneDx Variant Classification (06012015). Collection method: clinical testing. Allele origin: germline. Affected: yes.
Comment: This variant is considered likely benign or benign based on one or more of the following criteria: it is a conservative change, it occurs at a poorly conserved position in the protein, it is predicted to be benign by multiple in silico algorithms, and/or has population frequency not consistent with disease.

Breakthrough Genomics
Classification: Likely benign. Review status: criteria provided, single submitter. Criteria: ACMG Guidelines, 2015. Collection method: not provided. Allele origin: germline. Inheritance: Autosomal recessive inheritance. Affected: yes.